The following is an entry in ClinVar:

NM_024664.4(PPCS):c.724C>T (p.Arg242Ter)

Genes: CCDC30 (coiled-coil domain containing 30; plus strand), PPCS (phosphopantothenoylcysteine synthetase; plus strand). Cytogenetic location: 1p34.2.
Variant type: single nucleotide variant.
Coding change: c.724C>T on transcript NM_024664.4 (MANE Select); coding-DNA position 724, C replaced by T.
Protein change: p.Arg242Ter; replaces arginine 242 with a stop codon.
Molecular consequence: nonsense. On other transcripts: intron variant (2).
Genome position (GRCh38, 1-based): chr1:42,459,714, C>T. VCF-style: chr1-42459714-C-T. GRCh37 (hg19) VCF-style: chr1-42925385-C-T.
Other names: c.205C>T, p.Arg69Ter (NM_001077447.3, NM_001287506.1, NM_001287508.2 and 2 more transcripts); c.106C>T, p.Arg36Ter (NM_001287507.1); c.-880+2364C>T (NM_001355226.2); c.612+2364C>T (NM_001287511.2); short protein forms R36*, R69*, R242*.
Identifiers: ClinVar variation 1364756 (VCV001364756.7), dbSNP rs1643354783, ClinGen allele CA339949642.

ClinVar aggregate classification (germline): Uncertain significance (1 of 4 stars; one submission).

Allele frequency attached by ClinVar (database versions not stated): gnomAD exomes below 0.00001; gnomAD 0.00001.
gnomAD v4.1: 6 of 1,614,020 alleles (0.00037%); highest among the groups gnomAD compares: African/African-American, 0.0027%; no homozygotes.

Submission:

Labcorp Genetics (formerly Invitae), Labcorp
Classification: Uncertain significance. Last evaluated: 2021-12-23. Review status: criteria provided, single submitter. Criteria: Invitae Variant Classification Sherloc (09022015). Collection method: clinical testing. Allele origin: germline.
Comment: In summary, the available evidence is currently insufficient to determine the role of this variant in disease. Therefore, it has been classified as a Variant of Uncertain Significance. This sequence change creates a premature translational stop signal (p.Arg242*) in the PPCS gene. While this is not anticipated to result in nonsense mediated decay, it is expected to disrupt the last 70 amino acid(s) of the PPCS protein. This variant is not present in population databases (gnomAD no frequency). This variant has not been reported in the literature in individuals affected with PPCS-related conditions.